The following is an entry in ClinVar:

ClinVar aggregate classification (germline): Uncertain significance (1 of 4 stars; one submission).

Conditions:
RASopathy. Also called: Noonan spectrum disorder; rasopathies. Identifiers: Orphanet 536391, MedGen C5555857, MONDO:0021060.

gnomAD v4.1: 1 of 1,605,864 alleles (0.000062%); highest among the groups gnomAD compares: African/African-American, 0.0013%; no homozygotes.

Submission:

Labcorp Genetics (formerly Invitae), Labcorp
Classification: Uncertain significance for RASopathy. Last evaluated: 2025-01-27. Review status: criteria provided, single submitter. Criteria: Invitae Variant Classification Sherloc (09022015). Collection method: clinical testing. Allele origin: germline.
Comment: This sequence change replaces isoleucine, which is neutral and non-polar, with methionine, which is neutral and non-polar, at codon 208 of the MAP2K2 protein (p.Ile208Met). This variant is present in population databases (no rsID available, gnomAD 0.01%). This variant has not been reported in the literature in individuals affected with MAP2K2-related conditions. Invitae Evidence Modeling of protein sequence and biophysical properties (such as structural, functional, and spatial information, amino acid conservation, physicochemical variation, residue mobility, and thermodynamic stability) has been performed for this missense variant. However, the output from this modeling did not meet the statistical confidence thresholds required to predict the impact of this variant on MAP2K2 protein function. In summary, the available evidence is currently insufficient to determine the role of this variant in disease. Therefore, it has been classified as a Variant of Uncertain Significance.

NM_030662.4(MAP2K2):c.624C>G (p.Ile208Met)

Gene: MAP2K2 (mitogen-activated protein kinase kinase 2; minus strand). Cytogenetic location: 19p13.3.
Variant type: single nucleotide variant.
Coding change: c.624C>G on transcript NM_030662.4 (MANE Select); coding-DNA position 624, C replaced by G.
Protein change: p.Ile208Met; replaces isoleucine 208 with methionine.
Molecular consequence: missense variant.
Genome position (GRCh38, 1-based): chr19:4,101,100, G>C on the plus strand (C>G on the coding strand, the complement: MAP2K2 is on the minus strand). VCF-style: chr19-4101100-G-C. GRCh37 (hg19) VCF-style: chr19-4101098-G-C.
Other names: short protein forms I208M.
Identifiers: ClinVar variation 3631428 (VCV003631428.2).